The following is an entry in ClinVar:

NM_000368.5(TSC1):c.819T>G (p.Asp273Glu)

Gene: TSC1 (TSC complex subunit 1; minus strand). Cytogenetic location: 9q34.13.
Variant type: single nucleotide variant.
Coding change: c.819T>G on transcript NM_000368.5 (MANE Select); coding-DNA position 819, T replaced by G.
Protein change: p.Asp273Glu; replaces aspartic acid 273 with glutamic acid.
Molecular consequence: missense variant.
Genome position (GRCh38, 1-based): chr9:132,912,376, A>C on the plus strand (T>G on the coding strand, the complement: TSC1 is on the minus strand). VCF-style: chr9-132912376-A-C. GRCh37 (hg19) VCF-style: chr9-135787763-A-C.
Other names: c.819T>G, p.Asp273Glu (NM_001162426.2); c.666T>G, p.Asp222Glu (NM_001162427.2); c.456T>G, p.Asp152Glu (NM_001362177.2); short protein forms D273E, D152E, D222E.
Identifiers: ClinVar variation 237728 (VCV000237728.27), dbSNP rs148756522, ClinGen allele CA039098.
Genomic context (GRCh38, chr9:132,912,376, plus strand): 5'-GGTGACATCGGCTGAACGATGAGGAAAGCGGGCTGAGATTTGGTGAGACACAGAATAGCC[A>C]TCTTCATATGAGGCTTCTGTGGGATCCAGAGAGATTTTGGCACACTCGATCACAACATCA-3'
Protein context (NP_000359.1, residues 263-283): SLDPTEASYE[Asp273Glu]GYSVSHQISA

ClinVar aggregate classification (germline): Conflicting classifications of pathogenicity. Review status: criteria provided, conflicting classifications (1 of 4 stars). 9 submissions from 8 submitters: Uncertain significance (8); Likely benign (1). Last evaluated 2026-02-02.

Conditions:
Hereditary cancer-predisposing syndrome. Also called: Neoplastic Syndromes, Hereditary; Hereditary Cancer Syndrome; Tumor predisposition; Hereditary neoplastic syndrome. Identifiers: Orphanet 140162, MedGen C0027672, MeSH D009386, MONDO:0015356.
Isolated focal cortical dysplasia type II (FCORD2). Also called: Focal cortical dysplasia type II; CORTICAL DYSPLASIA OF TAYLOR. Identifiers: Orphanet 268994, MedGen C1846385, MONDO:0011818, OMIM 607341, HP:0032051.
Tuberous sclerosis syndrome (TSC). Also called: Tuberous Sclerosis Complex; Tuberous sclerosis. Identifiers: Orphanet 805, MedGen C0041341, MONDO:0001734.
Tuberous sclerosis 1 (TSC1). Identifiers: Orphanet 805, MedGen C1854465, MONDO:0008612, OMIM 191100.

Allele frequency attached by ClinVar (database versions not stated): gnomAD exomes below 0.00001 and 0.00002; ExAC 0.00001; gnomAD 0.00001 and 0.00002; TOPMed 0.00002; ESP Exome Variant Server 0.00008; 1000 Genomes Project 30x 0.00016; 1000 Genomes Project 0.00020.
gnomAD v4.1: 28 of 1,614,226 alleles (0.0017%); highest among the groups gnomAD compares: East Asian, 0.013%; no homozygotes.

Submissions (9):

Labcorp Genetics (formerly Invitae), Labcorp
Classification: Likely benign for Tuberous sclerosis 1. Last evaluated: 2026-02-02. Review status: criteria provided, single submitter. Criteria: Invitae Variant Classification Sherloc (09022015). Collection method: clinical testing. Allele origin: germline.

Ambry Genetics
Classification: Uncertain significance for Hereditary cancer-predisposing syndrome. Last evaluated: 2025-10-02. Review status: criteria provided, single submitter. Criteria: Ambry Variant Classification Scheme 2023. Collection method: clinical testing. Allele origin: germline.
Comment: The p.D273E variant (also known as c.819T>G), located in coding exon 7 of the TSC1 gene, results from a T to G substitution at nucleotide position 819. The aspartic acid at codon 273 is replaced by glutamic acid, an amino acid with highly similar properties. This amino acid position is not well conserved in available vertebrate species. In addition, this alteration is predicted to be tolerated by in silico analysis. Since supporting evidence is limited at this time, the clinical significance of this alteration remains unclear.

Color Diagnostics, LLC DBA Color Health
Classification: Uncertain significance for Tuberous sclerosis syndrome. Last evaluated: 2025-07-14. Review status: criteria provided, single submitter. Criteria: ACMG Guidelines, 2015. Collection method: clinical testing. Allele origin: germline.
Comment: This missense variant replaces aspartic acid with glutamic acid at codon 273 of the TSC1 protein. Computational prediction suggests that this variant may not impact protein structure and function. To our knowledge, functional studies have not been reported for this variant. This variant has not been reported in individuals affected with TSC1-related disorders in the literature. This variant has been identified in 1/251436 chromosomes in the general population by the Genome Aggregation Database (gnomAD). The available evidence is insufficient to determine the role of this variant in disease conclusively. Therefore, this variant is classified as a Variant of Uncertain Significance.

Quest Diagnostics Nichols Institute San Juan Capistrano
Classification: Uncertain significance. Last evaluated: 2025-05-08. Review status: criteria provided, single submitter. Criteria: Quest Diagnostics criteria. Collection method: clinical testing. Allele origin: unknown.

All of Us Research Program, National Institutes of Health
Classification: Uncertain significance for Tuberous sclerosis syndrome. Last evaluated: 2023-08-08. Review status: criteria provided, single submitter. Criteria: ACMG Guidelines, 2015. Collection method: clinical testing. Allele origin: germline. Inheritance: Autosomal dominant inheritance. Observed: 2 variant alleles, 2 heterozygotes.
Comment: This missense variant replaces aspartic acid with glutamic acid at codon 273 of the TSC1 protein. Computational prediction suggests that this variant may not impact protein structure and function (internally defined REVEL score threshold <= 0.5, PMID: 27666373). To our knowledge, functional studies have not been reported for this variant. This variant has not been reported in individuals affected with TSC1-related disorders in the literature. This variant has been identified in 1/251436 chromosomes in the general population by the Genome Aggregation Database (gnomAD). The available evidence is insufficient to determine the role of this variant in disease conclusively. Therefore, this variant is classified as a Variant of Uncertain Significance.

This study involves interpretation of variants in research participants for the purpose of population health screening. Participant phenotype was not available at the time of variant classification. Additional details can be found in publication PMID: 35346344, PMCID: PMC8962531

Blueprint Genetics
Classification: Uncertain significance. Last evaluated: 2023-06-28. Review status: criteria provided, single submitter. Criteria: ACMG Guidelines, 2015. Collection method: clinical testing. Allele origin: germline.

Genome-Nilou Lab
Classification: Uncertain significance for Tuberous sclerosis 1. Last evaluated: 2021-11-07. Review status: criteria provided, single submitter. Criteria: ACMG Guidelines, 2015. Collection method: clinical testing. Allele origin: germline. Affected: no.

Illumina Laboratory Services, Illumina
Classification: Uncertain significance for Tuberous sclerosis 1. Last evaluated: 2018-01-13. Review status: criteria provided, single submitter. Criteria: ICSL Variant Classification Criteria 13 December 2019. Collection method: clinical testing. Allele origin: germline.

Illumina Laboratory Services, Illumina
Classification: Uncertain significance for Isolated focal cortical dysplasia type II. Last evaluated: 2018-01-13. Review status: criteria provided, single submitter. Criteria: ICSL Variant Classification Criteria 13 December 2019. Collection method: clinical testing. Allele origin: germline.